The following is an entry in ClinVar:

NM_001371242.2(CRYBG1):c.4002G>A (p.Pro1334=)

Gene: CRYBG1 (crystallin beta-gamma domain containing 1; plus strand). Cytogenetic location: 6q21.
Variant type: single nucleotide variant.
Coding change: c.4002G>A on transcript NM_001371242.2 (MANE Select); coding-DNA position 4002, G replaced by A.
Protein change: p.Pro1334=; no amino-acid change (proline 1334 retained).
Molecular consequence: synonymous variant.
Genome position (GRCh38, 1-based): chr6:106,521,210, G>A. VCF-style: chr6-106521210-G-A. GRCh37 (hg19) VCF-style: chr6-106969085-G-A.
Other names: c.2778G>A, p.Pro926= (NM_001624.4).
Identifiers: ClinVar variation 2656808 (VCV002656808.24), dbSNP rs150414602, ClinGen allele CA3943478.

ClinVar aggregate classification (germline): Likely benign (1 of 4 stars; one submission).

Allele frequency attached by ClinVar (database versions not stated): 1000 Genomes Project 30x 0.00047; 1000 Genomes Project 0.00060; ESP Exome Variant Server 0.00154; gnomAD 0.00235; ExAC 0.00308.
gnomAD v4.1: 4,640 of 1,613,916 alleles (0.29%); highest among the groups gnomAD compares: South Asian, 0.38%; 22 homozygotes.

Submission:

CeGaT Center for Human Genetics Tuebingen
Classification: Likely benign. Last evaluated: 2023-03-01. Review status: criteria provided, single submitter. Criteria: CeGaT Center For Human Genetics Tuebingen Variant Classification Criteria Version 2. Collection method: clinical testing. Allele origin: germline. Affected: yes. Observed: 1 variant allele.
Comment: CRYBG1: BP4, BP7, BS2